The following is an entry in ClinVar:

NM_024854.5(PYROXD1):c.686A>T (p.Asp229Val)

Gene: PYROXD1 (pyridine nucleotide-disulphide oxidoreductase domain 1; plus strand). Cytogenetic location: 12p12.1.
Variant type: single nucleotide variant.
Coding change: c.686A>T on transcript NM_024854.5 (MANE Select); coding-DNA position 686, A replaced by T.
Protein change: p.Asp229Val; replaces aspartic acid 229 with valine.
Molecular consequence: missense variant. On other transcripts: 5 prime UTR variant (1).
Genome position (GRCh38, 1-based): chr12:21,456,031, A>T. VCF-style: chr12-21456031-A-T. GRCh37 (hg19) VCF-style: chr12-21608965-A-T.
Other names: c.473A>T, p.Asp158Val (NM_001350912.2); c.-92A>T (NM_001350913.2); short protein forms D158V, D229V.
Identifiers: ClinVar variation 2011154 (VCV002011154.4), dbSNP rs1177867844, ClinGen allele CA384108287.

ClinVar aggregate classification (germline): Uncertain significance (1 of 4 stars; one submission).

Submission:

Labcorp Genetics (formerly Invitae), Labcorp
Classification: Uncertain significance. Last evaluated: 2022-07-11. Review status: criteria provided, single submitter. Criteria: Invitae Variant Classification Sherloc (09022015). Collection method: clinical testing. Allele origin: germline.
Comment: In summary, the available evidence is currently insufficient to determine the role of this variant in disease. Therefore, it has been classified as a Variant of Uncertain Significance. Algorithms developed to predict the effect of missense changes on protein structure and function are either unavailable or do not agree on the potential impact of this missense change (SIFT: "Deleterious"; PolyPhen-2: "Benign"; Align-GVGD: "Class C0"). This variant has not been reported in the literature in individuals affected with PYROXD1-related conditions. This variant is not present in population databases (gnomAD no frequency). This sequence change replaces aspartic acid, which is acidic and polar, with valine, which is neutral and non-polar, at codon 229 of the PYROXD1 protein (p.Asp229Val).